The following is an entry in ClinVar:

NM_001267550.2(TTN):c.97204_97205delinsAG (p.Pro32402Arg)

Genes: TTN-AS1 (TTN antisense RNA 1; plus strand), TTN (titin; minus strand). Cytogenetic location: 2q31.2.
Variant type: Indel.
Coding change: c.97204_97205delinsAG on transcript NM_001267550.2 (MANE Select); coding-DNA positions 97204 to 97205, CC replaced by AG.
Protein change: p.Pro32402Arg; replaces proline 32402 with arginine.
Genome position (GRCh38, 1-based): chr2:178,542,551-178,542,552, GG replaced by CT on the plus strand (CC replaced by AG on the coding strand, the reverse complement: TTN is on the minus strand). VCF-style: chr2-178542551-GG-CT. GRCh37 (hg19) VCF-style: chr2-179407278-GG-CT.
Other names: c.92281_92282delinsAG, p.Pro30761Arg (NM_001256850.1); c.70009_70010delinsAG, p.Pro23337Arg (NM_003319.4); c.89500_89501delinsAG, p.Pro29834Arg (NM_133378.4); c.70384_70385delinsAG, p.Pro23462Arg (NM_133432.3); c.70585_70586delinsAG, p.Pro23529Arg (NM_133437.4); c.97204_97205delinsAG (NM_001267550.1); short protein forms P29834R, P30761R, P23337R, P23462R, P23529R, P32402R.
Identifiers: ClinVar variation 220854 (VCV000220854.8), dbSNP rs864622675, ClinGen allele CA350823.

ClinVar aggregate classification (germline): Uncertain significance. Review status: criteria provided, multiple submitters, no conflicts (2 of 4 stars). 3 submissions from 3 submitters: Uncertain significance (3). Last evaluated 2024-07-09.

Conditions:
Dilated cardiomyopathy 1G (CMD1G). Identifiers: Orphanet 154, MedGen C1858763, MONDO:0011400, OMIM 604145.
Autosomal recessive limb-girdle muscular dystrophy type 2J (LGMDR10). Also called: Limb-girdle muscular dystrophy, type 2J; MUSCULAR DYSTROPHY, LIMB-GIRDLE, AUTOSOMAL RECESSIVE 10. Identifiers: Orphanet 140922, MedGen C1837342, MONDO:0012127, OMIM 608807.

Submissions (3):

GeneDx
Classification: Uncertain significance. Last evaluated: 2024-07-09. Review status: criteria provided, single submitter. Criteria: GeneDx Variant Classification Process June 2021. Collection method: clinical testing. Allele origin: germline. Affected: yes.
Comment: Not observed at significant frequency in large population cohorts (gnomAD); Missense variant in a gene in which most reported pathogenic variants are truncating/loss-of-function; Has not been previously published as pathogenic or benign to our knowledge

Laboratory for Molecular Medicine, Mass General Brigham Personalized Medicine
Classification: Uncertain significance. Last evaluated: 2017-05-09. Review status: criteria provided, single submitter. Criteria: LMM Criteria. Collection method: clinical testing. Allele origin: germline. Observed: 2 variant alleles.
Comment: The p.Pro29834Arg variant in TTN has not been previously reported in individuals with cardiomyopathy, but has been identified in 4/123838 European chromosomes b y the genome Aggregation Database (gnomAD; db SNP rs864622675). This variant has been reported in ClinVar (Variation ID: 22085 4) as of uncertain significance. Please note that for diseases with clinical var iability, reduced penetrance, or recessive inheritance, pathogenic variants may be present at a low frequency in the general population. Computational predictio n tools and conservation analysis do not provide strong support for or against a n impact to the protein. In summary, the clinical significance of the p.Pro29834 Arg variant is uncertain.

Labcorp Genetics (formerly Invitae), Labcorp
Classification: Uncertain significance for Dilated cardiomyopathy 1G; Autosomal recessive limb-girdle muscular dystrophy type 2J. Last evaluated: 2015-10-29. Review status: criteria provided, single submitter. Criteria: Invitae Variant Classification Sherloc (09022015). Collection method: clinical testing. Allele origin: germline.